The following is an entry in ClinVar:

ClinVar aggregate classification (germline): Benign/Likely benign. Review status: criteria provided, multiple submitters, no conflicts (2 of 4 stars). 3 submissions from 3 submitters: Benign (1); Likely benign (2). Last evaluated 2025-10-02.

Conditions:
Spastic paraplegia. Identifiers: MedGen C0037772, HP:0001258.

Allele frequency attached by ClinVar (database versions not stated): 1000 Genomes Project 0.04673; TOPMed 0.03062; 1000 Genomes Project 30x 0.04341; gnomAD 0.02967 and 0.03391; gnomAD exomes 0.05569.

Submissions (3):

Labcorp Genetics (formerly Invitae), Labcorp
Classification: Benign for Spastic paraplegia. Last evaluated: 2025-10-02. Review status: criteria provided, single submitter. Criteria: Invitae Variant Classification Sherloc (09022015). Collection method: clinical testing. Allele origin: germline.

GeneDx
Classification: Likely benign. Last evaluated: 2018-06-16. Review status: criteria provided, single submitter. Criteria: GeneDx Variant Classification Process June 2021. Collection method: clinical testing. Allele origin: germline. Affected: yes.
Comment: This variant is associated with the following publications: (PMID: 15007371)

Breakthrough Genomics
Classification: Likely benign. Review status: criteria provided, single submitter. Criteria: ACMG Guidelines, 2015. Collection method: not provided. Allele origin: germline. Inheritance: Autosomal recessive inheritance. Affected: yes.

NC_000008.11:g.64798895G>C

Gene: CYP7B1 (cytochrome P450 family 7 subfamily B member 1; minus strand). Cytogenetic location: 8q12.3.
Variant type: single nucleotide variant.
Genome position: GRCh38 VCF-style: chr8-64798895-G-C. GRCh37 (hg19) VCF-style: chr8-65711452-G-C.
Identifiers: ClinVar variation 1166772 (VCV001166772.11), dbSNP rs117576566, ClinGen allele CA179061924.